The following is an entry in ClinVar:

ClinVar aggregate classification (germline): Uncertain significance (1 of 4 stars; one submission).

Conditions:
Inborn genetic diseases. Identifiers: MedGen C0950123, MeSH D030342.

gnomAD v4.1: 1 of 1,595,964 alleles (0.000063%); highest among the groups gnomAD compares: East Asian, 0.0023%; no homozygotes.

Submission:

Ambry Genetics
Classification: Uncertain significance for Inborn genetic diseases. Last evaluated: 2025-06-14. Review status: criteria provided, single submitter. Criteria: Ambry Variant Classification Scheme 2023. Collection method: clinical testing. Allele origin: germline.
Comment: The p.R409S variant (also known as c.1227A>C), located in coding exon 10 of the FANCG gene, results from an A to C substitution at nucleotide position 1227. The arginine at codon 409 is replaced by serine, an amino acid with dissimilar properties. This amino acid position is conserved. In addition, this alteration is predicted to be tolerated by in silico analysis. Based on the available evidence, the clinical significance of this variant remains unclear.

NM_004629.2(FANCG):c.1227A>C (p.Arg409Ser)

Gene: FANCG (FA complementation group G; minus strand). Cytogenetic location: 9p13.3.
Variant type: single nucleotide variant.
Coding change: c.1227A>C on transcript NM_004629.2 (MANE Select); coding-DNA position 1227, A replaced by C.
Protein change: p.Arg409Ser; replaces arginine 409 with serine.
Molecular consequence: missense variant.
Genome position (GRCh38, 1-based): chr9:35,075,671, T>G on the plus strand (A>C on the coding strand, the complement: FANCG is on the minus strand). VCF-style: chr9-35075671-T-G. GRCh37 (hg19) VCF-style: chr9-35075668-T-G.
Other names: short protein forms R409S.
Identifiers: ClinVar variation 4022563 (VCV004022563.1).